The following is an entry in ClinVar:

ClinVar aggregate classification (germline): Likely benign. Review status: criteria provided, multiple submitters, no conflicts (2 of 4 stars). 2 submissions from 2 submitters: Likely benign (2). Last evaluated 2025-11-05.

Conditions:
Developmental and epileptic encephalopathy, 42 (DEE42A). Also called: DEVELOPMENTAL AND EPILEPTIC ENCEPHALOPATHY 42A; EPILEPTIC ENCEPHALOPATHY, EARLY INFANTILE, 42A; Epileptic encephalopathy, early infantile, 42. Identifiers: MedGen C4310716, MONDO:0014917, OMIM 617106.
Episodic ataxia type 2 (EA2). Also called: ATAXIA, EPISODIC, WITH NYSTAGMUS; ATAXIA, FAMILIAL PAROXYSMAL; CEREBELLAR ATAXIA, PAROXYSMAL, ACETAZOLAMIDE-RESPONSIVE; CEREBELLOPATHY, HEREDITARY PAROXYSMAL; EPISODIC ATAXIA, NYSTAGMUS-ASSOCIATED; ACETAZOLAMIDE-RESPONSIVE HEREDITARY PAROXYSMAL CEREBELLAR ATAXIA. Identifiers: Orphanet 97, MedGen C1720416, MONDO:0007163, OMIM 108500.

Allele frequency attached by ClinVar (database versions not stated): gnomAD exomes 0.00001; TOPMed 0.00002; gnomAD 0.00004.
gnomAD v4.1: 29 of 1,604,044 alleles (0.0018%); highest among the groups gnomAD compares: Non-Finnish European, 0.0021%; no homozygotes.

Submissions (2):

Labcorp Genetics (formerly Invitae), Labcorp
Classification: Likely benign for Developmental and epileptic encephalopathy, 42; Episodic ataxia type 2. Last evaluated: 2025-11-05. Review status: criteria provided, single submitter. Criteria: Invitae Variant Classification Sherloc (09022015). Collection method: clinical testing. Allele origin: germline.

CeGaT Center for Human Genetics Tuebingen
Classification: Likely benign. Last evaluated: 2025-07-01. Review status: criteria provided, single submitter. Criteria: CeGaT Center For Human Genetics Tuebingen Variant Classification Criteria Version 2. Collection method: clinical testing. Allele origin: germline. Affected: yes. Observed: 1 variant allele.
Comment: CACNA1A: BP4, BP7

NM_001127222.2(CACNA1A):c.1080A>C (p.Ser360=)

Genes: CACNA1A (calcium voltage-gated channel subunit alpha1 A; minus strand), LOC126862866 (MED14-independent group 3 enhancer GRCh37_chr19:13445719-13446918; plus strand). Cytogenetic location: 19p13.13.
Variant type: single nucleotide variant.
Coding change: c.1080A>C on transcript NM_001127222.2 (MANE Select); coding-DNA position 1080, A replaced by C.
Protein change: p.Ser360=; no amino-acid change (serine 360 retained).
Molecular consequence: synonymous variant.
Genome position (GRCh38, 1-based): chr19:13,335,808, T>G on the plus strand (A>C on the coding strand, the complement: CACNA1A is on the minus strand). VCF-style: chr19-13335808-T-G. GRCh37 (hg19) VCF-style: chr19-13446622-T-G.
Other names: c.1080A>C, p.Ser360= (NM_000068.4, NM_001127221.2, NM_001174080.2 and 1 more transcripts).
Identifiers: ClinVar variation 735712 (VCV000735712.17), dbSNP rs920116858, ClinGen allele CA305541023.
Genomic context (GRCh38, chr19:13,335,808, plus strand): 5'-GGAAAGAAGTTAGCAAAGAGGAGTGAGTGGGATGGGGTGGGGAGTAGCAGAAACTTACCC[T>G]GACAGCACACCCAGCACAAGGTTCAGCATAAAAAAGGAGCCGATGATGATGAGGGGGATG-3'
Protein context (NP_001120694.1, residues 350-370): FMLNLVLGVL[Ser360=]GEFAKERERV